The following is an entry in ClinVar:

NM_153704.6(TMEM67):c.2299G>A (p.Val767Ile)

Gene: TMEM67 (transmembrane protein 67; plus strand). Cytogenetic location: 8q22.1.
Variant type: single nucleotide variant.
Coding change: c.2299G>A on transcript NM_153704.6 (MANE Select); coding-DNA position 2299, G replaced by A.
Protein change: p.Val767Ile; replaces valine 767 with isoleucine.
Molecular consequence: missense variant. On other transcripts: non-coding transcript variant (1).
Genome position (GRCh38, 1-based): chr8:93,803,661, G>A. VCF-style: chr8-93803661-G-A. GRCh37 (hg19) VCF-style: chr8-94815889-G-A.
Other names: c.2056G>A, p.Val686Ile (NM_001142301.1); short protein forms V767I, V686I.
Identifiers: ClinVar variation 363923 (VCV000363923.29), dbSNP rs201949664, ClinGen allele CA4808259.
Genomic context (GRCh38, chr8:93,803,661, plus strand): 5'-CAGGTCGTGTTCTTTGCTGTCTTTTATGAGAGATTTATAGAAGATAAAATTCGACAGTTC[G>A]TTGATTTATGCTCTATGAGTAATGTAAGTACTTTCTGACTTCATCTTGCAACTGTTACTT-3'
Protein context (NP_714915.3, residues 757-777): RFIEDKIRQF[Val767Ile]DLCSMSNISV

ClinVar aggregate classification (germline): Uncertain significance. Review status: criteria provided, multiple submitters, no conflicts (2 of 4 stars). 10 submissions from 8 submitters: Uncertain significance (10). Last evaluated 2026-04-01.

Conditions:
Ciliopathy. Also called: Ciliopathies. Identifiers: Orphanet 363250, MedGen C4277690, MONDO:0005308, MeSH D000072661.
Meckel syndrome, type 3 (MKS3). Also called: MECKEL-GRUBER SYNDROME, TYPE 3. Identifiers: Orphanet 564, MedGen C1846357, MONDO:0011821, OMIM 607361.
COACH syndrome 1. Identifiers: Orphanet 1454, MedGen C5435651, MONDO:0800103, OMIM 216360, MONDO:0008996.
RHYNS syndrome. Also called: RETINITIS PIGMENTOSA SYNDROME; RETINITIS PIGMENTOSA, HYPOPITUITARISM, NEPHRONOPHTHISIS, AND MILD SKELETAL DYSPLASIA. Identifiers: Orphanet 140976, MedGen C1865794, MONDO:0011202, OMIM 602152.
Nephronophthisis 11 (NPHP11). Identifiers: Orphanet 84081, MedGen C3150796, MONDO:0013302, OMIM 613550.
Bardet-Biedl syndrome 14 (BBS14). Identifiers: Orphanet 110, MedGen C2673874, MONDO:0014442, OMIM 615991.
Joubert syndrome 6 (JBTS6). Identifiers: Orphanet 475, MedGen C1853153, MONDO:0012539, OMIM 610688.
Inborn genetic diseases. Identifiers: MedGen C0950123, MeSH D030342.
TMEM67-related disorder. Also called: TMEM67-related condition; TMEM67-related disorders. Identifiers: MedGen CN239423.
Meckel-Gruber syndrome. Also called: DYSENCEPHALIA SPLANCHNOCYSTICA; GRUBER SYNDROME; Dysencephalia splachnocystica. Identifiers: Orphanet 564, MedGen C0265215, MONDO:0018921.
Joubert syndrome. Also called: JOUBERT-BOLTSHAUSER SYNDROME; Familial aplasia of the vermis. Identifiers: Orphanet 475, MedGen C5979921, MONDO:0018772.

Allele frequency attached by ClinVar (database versions not stated): gnomAD 0.00012; gnomAD exomes 0.00014 and 0.00026; ESP Exome Variant Server 0.00015; ExAC 0.00016; TOPMed 0.00017.
gnomAD v4.1: 384 of 1,593,874 alleles (0.024%); highest among the groups gnomAD compares: Non-Finnish European, 0.031%; no homozygotes.

Submissions (10):

PreventionGenetics, part of Exact Sciences
Classification: Uncertain significance for TMEM67-related condition. Last evaluated: 2026-04-01. Review status: criteria provided, single submitter. Criteria: ACMG Guidelines, 2015. Collection method: clinical testing. Allele origin: germline.
Comment: The TMEM67 c.2299G>A variant is predicted to result in the amino acid substitution p.Val767Ile. This variant was previously reported as an additional variant in a patient who was already positive for CEP290-related disorder (supplementary data, Phelps et al. 2018. PubMed ID: 28771248). This variant is reported in 0.026% of alleles in individuals of European (Non-Finnish) descent in gnomAD. At this time, the clinical significance of this variant is uncertain due to the absence of conclusive functional and genetic evidence.

CeGaT Center for Human Genetics Tuebingen
Classification: Uncertain significance. Last evaluated: 2025-06-01. Review status: criteria provided, single submitter. Criteria: CeGaT Center For Human Genetics Tuebingen Variant Classification Criteria Version 2. Collection method: clinical testing. Allele origin: germline. Affected: yes. Observed: 1 variant allele.

Ambry Genetics
Classification: Uncertain significance for Inborn genetic diseases. Last evaluated: 2025-01-14. Review status: criteria provided, single submitter. Criteria: Ambry Variant Classification Scheme 2023. Collection method: clinical testing. Allele origin: germline.

Fulgent Genetics
Classification: Uncertain significance for COACH syndrome 1; RHYNS syndrome; Meckel syndrome, type 3; Joubert syndrome 6; Nephronophthisis 11; Bardet-Biedl syndrome 14. Last evaluated: 2024-05-21. Review status: criteria provided, single submitter. Criteria: ACMG Guidelines, 2015. Collection method: clinical testing. Allele origin: germline.

Labcorp Genetics (formerly Invitae), Labcorp
Classification: Uncertain significance for Joubert syndrome; Meckel-Gruber syndrome. Last evaluated: 2022-07-12. Review status: criteria provided, single submitter. Criteria: Invitae Variant Classification Sherloc (09022015). Collection method: clinical testing. Allele origin: germline.
Comment: This sequence change replaces valine, which is neutral and non-polar, with isoleucine, which is neutral and non-polar, at codon 767 of the TMEM67 protein (p.Val767Ile). This variant is present in population databases (rs201949664, gnomAD 0.03%). This variant has not been reported in the literature in individuals affected with TMEM67-related conditions. ClinVar contains an entry for this variant (Variation ID: 363923). Advanced modeling of protein sequence and biophysical properties (such as structural, functional, and spatial information, amino acid conservation, physicochemical variation, residue mobility, and thermodynamic stability) performed at Invitae indicates that this missense variant is expected to disrupt TMEM67 protein function. In summary, the available evidence is currently insufficient to determine the role of this variant in disease. Therefore, it has been classified as a Variant of Uncertain Significance.

Victorian Clinical Genetics Services, Murdoch Childrens Research Institute
Classification: Uncertain significance for Ciliopathy. Last evaluated: 2020-05-25. Review status: criteria provided, single submitter. Criteria: ACMG Guidelines, 2015. Collection method: clinical testing. Allele origin: germline. Inheritance: Autosomal recessive inheritance.
Comment: Based on the classification scheme VCGS_Germline_v1.1.1, this variant is classified as 3B-VUS. Following criteria are met: 0102 - Loss-of-function is a known mechanism of disease for this gene. (N) 0106 - This gene is known to be associated with autosomal recessive disease. (N) 0200 - Variant is predicted to result in a missense amino acid change from valine to isoleucine (exon 23). (N) 0251 - Variant is heterozygous. (N) 0304 - Variant is present in gnomAD <0.01 for a recessive condition (39 heterozygotes, 0 homozygotes). (P) 0502 - Missense variant with conflicting in silico predictions and/or uninformative conservation. (N) 0600 - Variant is located in an annotated domain or motif. Located in the Meckelin domain (PDB, DECIPHER and NCBI). (N) 0705 - No comparable variants have previous evidence for pathogenicity. (N) 0808 - Previous reports of pathogenicity are conflicting. Three VUS reports (ClinVar) and one report as a pathogenic genetic modifier in a Joubert patient (PMID: 28771248). (N) 0905 - No segregation evidence has been identified for this variant. (N) 1007 - No published functional evidence has been identified for this variant. (N) 1208 - Inheritance information for this variant is not currently available. (N) Legend: (P) - Pathogenic, (N) - Neutral, (B) - Benign

Baylor Genetics
Classification: Uncertain significance for COACH syndrome 1. Last evaluated: 2018-11-03. Review status: criteria provided, single submitter. Criteria: ACMG Guidelines, 2015. Collection method: clinical testing. Allele origin: paternal. Affected: yes.
Comment: This variant was determined to be of uncertain significance according to ACMG Guidelines, 2015 [PMID:25741868].

Illumina Laboratory Services, Illumina
Classification: Uncertain significance for Joubert syndrome 6. Last evaluated: 2018-01-13. Review status: criteria provided, single submitter. Criteria: ICSL Variant Classification Criteria 13 December 2019. Collection method: clinical testing. Allele origin: germline.

Illumina Laboratory Services, Illumina
Classification: Uncertain significance for Nephronophthisis 11. Last evaluated: 2018-01-13. Review status: criteria provided, single submitter. Criteria: ICSL Variant Classification Criteria 13 December 2019. Collection method: clinical testing. Allele origin: germline.

Illumina Laboratory Services, Illumina
Classification: Uncertain significance for Meckel syndrome, type 3. Last evaluated: 2018-01-13. Review status: criteria provided, single submitter. Criteria: ICSL Variant Classification Criteria 13 December 2019. Collection method: clinical testing. Allele origin: germline.

Literature cited by the submitters: PubMed 28771248 (cited by Victorian Clinical Genetics Services, Murdoch Childrens Research Institute).